The following is an entry in ClinVar:

NM_021098.3(CACNA1H):c.3241G>A (p.Ala1081Thr)

Gene: CACNA1H (calcium voltage-gated channel subunit alpha1 H; plus strand). Cytogenetic location: 16p13.3.
Variant type: single nucleotide variant.
Coding change: c.3241G>A on transcript NM_021098.3 (MANE Select); coding-DNA position 3241, G replaced by A.
Protein change: p.Ala1081Thr; replaces alanine 1081 with threonine.
Molecular consequence: missense variant.
Genome position (GRCh38, 1-based): chr16:1,208,099, G>A. VCF-style: chr16-1208099-G-A. GRCh37 (hg19) VCF-style: chr16-1258099-G-A.
Other names: c.3241G>A, p.Ala1081Thr (NM_001005407.2); short protein forms A1081T.
Identifiers: ClinVar variation 1700973 (VCV001700973.3), dbSNP rs1330404120, ClinGen allele CA394172000.

ClinVar aggregate classification (germline): Uncertain significance (1 of 4 stars; one submission).

Allele frequency attached by ClinVar (database versions not stated): TOPMed below 0.00001; gnomAD 0.00001.
gnomAD v4.1: 6 of 1,596,782 alleles (0.00038%); highest among the groups gnomAD compares: Non-Finnish European, 0.00051%; no homozygotes.

Submission:

GeneDx
Classification: Uncertain significance. Last evaluated: 2024-09-26. Review status: criteria provided, single submitter. Criteria: GeneDx Variant Classification Process June 2021. Collection method: clinical testing. Allele origin: germline. Affected: yes.
Comment: Has not been previously published as pathogenic or benign to our knowledge; Not observed at significant frequency in large population cohorts (gnomAD); In silico analysis supports that this missense variant has a deleterious effect on protein structure/function